The following is an entry in ClinVar:

ClinVar aggregate classification (germline): Conflicting classifications of pathogenicity. Review status: criteria provided, conflicting classifications (1 of 4 stars). 2 submissions from 2 submitters: Uncertain significance (1); Likely benign (1). Last evaluated 2025-06-15.

Conditions:
Hereditary cancer-predisposing syndrome. Also called: Hereditary neoplastic syndrome; Tumor predisposition; Hereditary Cancer Syndrome; Neoplastic Syndromes, Hereditary. Identifiers: Orphanet 140162, MedGen C0027672, MeSH D009386, MONDO:0015356.

Allele frequency attached by ClinVar (database versions not stated): ExAC 0.00001; TOPMed 0.00004; gnomAD 0.00005 and 0.00006.
gnomAD v4.1: 10 of 1,609,176 alleles (0.00062%); highest among the groups gnomAD compares: African/African-American, 0.011%; no homozygotes.

Submissions (2):

Labcorp Genetics (formerly Invitae), Labcorp
Classification: Uncertain significance for Hereditary cancer-predisposing syndrome. Last evaluated: 2025-06-15. Review status: criteria provided, single submitter. Criteria: Invitae Variant Classification Sherloc (09022015). Collection method: clinical testing. Allele origin: germline.
Comment: This sequence change replaces serine, which is neutral and polar, with isoleucine, which is neutral and non-polar, at codon 560 of the RAD50 protein (p.Ser560Ile). This variant is present in population databases (rs763571038, gnomAD 0.01%). This missense change has been observed in individual(s) with breast cancer (PMID: 25503501). ClinVar contains an entry for this variant (Variation ID: 219842). Invitae Evidence Modeling of protein sequence and biophysical properties (such as structural, functional, and spatial information, amino acid conservation, physicochemical variation, residue mobility, and thermodynamic stability) indicates that this missense variant is not expected to disrupt RAD50 protein function with a negative predictive value of 80%. In summary, the available evidence is currently insufficient to determine the role of this variant in disease. Therefore, it has been classified as a Variant of Uncertain Significance.

Ambry Genetics
Classification: Likely benign for Hereditary cancer-predisposing syndrome. Last evaluated: 2024-04-08. Review status: criteria provided, single submitter. Criteria: Ambry Variant Classification Scheme 2023. Collection method: clinical testing. Allele origin: germline.

Literature cited by the submitters: PubMed 25503501 (cited by Labcorp Genetics (formerly Invitae), Labcorp and Ambry Genetics).

NM_005732.4(RAD50):c.1679G>T (p.Ser560Ile)

Gene: RAD50 (RAD50 double strand break repair protein; plus strand). Cytogenetic location: 5q31.1.
Variant type: single nucleotide variant.
Coding change: c.1679G>T on transcript NM_005732.4 (MANE Select); coding-DNA position 1679, G replaced by T.
Protein change: p.Ser560Ile; replaces serine 560 with isoleucine.
Molecular consequence: missense variant.
Genome position (GRCh38, 1-based): chr5:132,591,920, G>T. VCF-style: chr5-132591920-G-T. GRCh37 (hg19) VCF-style: chr5-131927612-G-T.
Other names: short protein forms S560I.
Identifiers: ClinVar variation 219842 (VCV000219842.17), dbSNP rs763571038, ClinGen allele CA348856.
Genomic context (GRCh38, chr5:132,591,920, plus strand): 5'-TTTTTTTTTACCTATAGGCTGACAAAGATGAACAAATCAGAAAAATAAAATCTAGGCACA[G>T]TGATGAATTAACCTCACTGTTGGGATATTTTCCCAACAAAAAACAGCTTGAAGACTGGCT-3'
Protein context (NP_005723.2, residues 550-570): EQIRKIKSRH[Ser560Ile]DELTSLLGYF